The following is an entry in ClinVar:

ClinVar aggregate classification (germline): Uncertain significance (1 of 4 stars; one submission).

Submission:

Labcorp Genetics (formerly Invitae), Labcorp
Classification: Uncertain significance. Last evaluated: 2024-02-24. Review status: criteria provided, single submitter. Criteria: Invitae Variant Classification Sherloc (09022015). Collection method: clinical testing. Allele origin: germline.
Comment: This sequence change affects a donor splice site in intron 4 of the ANGPT1 gene. It is expected to disrupt RNA splicing. Variants that disrupt the donor or acceptor splice site typically lead to a loss of protein function (PMID: 16199547), however the current clinical and genetic evidence is not sufficient to establish whether loss-of-function variants in ANGPT1 cause disease. This variant is not present in population databases (gnomAD no frequency). This variant has not been reported in the literature in individuals affected with ANGPT1-related conditions. Algorithms developed to predict the effect of sequence changes on RNA splicing suggest that this variant may disrupt the consensus splice site. In summary, the available evidence is currently insufficient to determine the role of this variant in disease. Therefore, it has been classified as a Variant of Uncertain Significance.

Literature cited by the submitters: PubMed 16199547.

NM_001146.5(ANGPT1):c.808+1G>A

Gene: ANGPT1 (angiopoietin 1; minus strand). Cytogenetic location: 8q23.1.
Variant type: single nucleotide variant.
Coding change: c.808+1G>A on transcript NM_001146.5 (MANE Select); the canonical splice donor site of the intron after coding-DNA position 808, G replaced by A.
Molecular consequence: splice donor variant. On other transcripts: intron variant (1).
Genome position (GRCh38, 1-based): chr8:107,321,895, C>T on the plus strand (G>A on the coding strand, the complement: ANGPT1 is on the minus strand). VCF-style: chr8-107321895-C-T. GRCh37 (hg19) VCF-style: chr8-108334123-C-T.
Other names: c.805+4G>A (NM_001199859.3); c.208+1G>A (NM_001314051.2).
Identifiers: ClinVar variation 3643152 (VCV003643152.2).